The following is an entry in ClinVar:

NM_001127222.2(CACNA1A):c.3162G>A (p.Leu1054=)

Gene: CACNA1A (calcium voltage-gated channel subunit alpha1 A; minus strand). Cytogenetic location: 19p13.13.
Variant type: single nucleotide variant.
Coding change: c.3162G>A on transcript NM_001127222.2 (MANE Select); coding-DNA position 3162, G replaced by A.
Protein change: p.Leu1054=; no amino-acid change (leucine 1054 retained).
Molecular consequence: synonymous variant.
Genome position (GRCh38, 1-based): chr19:13,286,894, C>T on the plus strand (G>A on the coding strand, the complement: CACNA1A is on the minus strand). VCF-style: chr19-13286894-C-T. GRCh37 (hg19) VCF-style: chr19-13397708-C-T.
Other names: c.3174G>A, p.Leu1058= (NM_000068.4, NM_023035.3); c.3165G>A, p.Leu1055= (NM_001127221.2, NM_001174080.2).
Identifiers: ClinVar variation 386724 (VCV000386724.1), dbSNP rs1057522586, ClinGen allele CA16608070.
Genomic context (GRCh38, chr19:13,286,894, plus strand): 5'-GGCCAGCTTGTTGTTCTTCATGTTGTCAATATCCTCTGCCAGGGGTGGGTCTTGGCGGCC[C>T]AGGTCCTGCTGGATTGGCCGGGTGGTTGACAGGTTGGGGCCCGACACAGGGACCCCGGAG-3'
Protein context (NP_001120694.1, residues 1044-1064): LSTTRPIQQD[Leu1054=]GRQDPPLAED

ClinVar aggregate classification (germline): Likely benign (1 of 4 stars; one submission).

Allele frequency attached by ClinVar (database versions not stated): gnomAD exomes below 0.00001.
gnomAD v4.1: 1 of 1,613,414 alleles (0.000062%); highest among the groups gnomAD compares: South Asian, 0.0011%; no homozygotes.

Submission:

GeneDx
Classification: Likely benign. Last evaluated: 2016-06-07. Review status: criteria provided, single submitter. Criteria: GeneDx Variant Classification (06012015). Collection method: clinical testing. Allele origin: germline. Affected: yes.
Comment: This variant is considered likely benign or benign based on one or more of the following criteria: it is a conservative change, it occurs at a poorly conserved position in the protein, it is predicted to be benign by multiple in silico algorithms, and/or has population frequency not consistent with disease.